The following is an entry in ClinVar:

ClinVar aggregate classification (germline): Uncertain significance (1 of 4 stars; one submission).

gnomAD v4.1: 2 of 1,551,516 alleles (0.00013%); highest among the groups gnomAD compares: Non-Finnish European, 0.00017%; no homozygotes.

Submission:

Women's Health and Genetics/Laboratory Corporation of America, LabCorp
Classification: Uncertain significance. Last evaluated: 2025-07-07. Review status: criteria provided, single submitter. Criteria: LabCorp Variant Classification Summary - May 2015. Collection method: clinical testing. Allele origin: germline.
Comment: Variant summary: PKD1 c.10486C>G (p.Leu3496Val) results in a conservative amino acid change in the encoded protein sequence. Algorithms developed to predict the effect of missense changes on protein structure and function all suggest that this variant is likely to be tolerated. The variant allele was found at a frequency of 6.3e-06 in 159066 control chromosomes. The available data on variant occurrences in the general population are insufficient to allow any conclusion about variant significance. To our knowledge, no occurrence of c.10486C>G in individuals affected with PKD1-Biallelic Autosomal Recessive Polycystic Kidney Disease and no experimental evidence demonstrating its impact on protein function have been reported. No submitters have cited clinical-significance assessments for this variant to ClinVar. Based on the evidence outlined above, the variant was classified as uncertain significance.

NM_001009944.3(PKD1):c.10486C>G (p.Leu3496Val)

Gene: PKD1 (polycystin 1, transient receptor potential channel interacting; minus strand). Cytogenetic location: 16p13.3.
Variant type: single nucleotide variant.
Coding change: c.10486C>G on transcript NM_001009944.3 (MANE Select); coding-DNA position 10486, C replaced by G.
Protein change: p.Leu3496Val; replaces leucine 3496 with valine.
Molecular consequence: missense variant.
Genome position (GRCh38, 1-based): chr16:2,097,161, G>C on the plus strand (C>G on the coding strand, the complement: PKD1 is on the minus strand). VCF-style: chr16-2097161-G-C. GRCh37 (hg19) VCF-style: chr16-2147162-G-C.
Other names: c.10483C>G, p.Leu3495Val (NM_000296.4); short protein forms L3496V, L3495V.
Identifiers: ClinVar variation 4526112 (VCV004526112.1).